The following is an entry in ClinVar:

NM_032119.4(ADGRV1):c.7585G>T (p.Asp2529Tyr)

Gene: ADGRV1 (adhesion G protein-coupled receptor V1; plus strand). Cytogenetic location: 5q14.3.
Variant type: single nucleotide variant.
Coding change: c.7585G>T on transcript NM_032119.4 (MANE Select); coding-DNA position 7585, G replaced by T.
Protein change: p.Asp2529Tyr; replaces aspartic acid 2529 with tyrosine.
Molecular consequence: missense variant. On other transcripts: non-coding transcript variant (1).
Genome position (GRCh38, 1-based): chr5:90,694,341, G>T. VCF-style: chr5-90694341-G-T. GRCh37 (hg19) VCF-style: chr5-89990158-G-T.
Other names: short protein forms D2529Y.
Identifiers: ClinVar variation 1715936 (VCV001715936.5), dbSNP rs2530952943, ClinGen allele CA360379591.

ClinVar aggregate classification (germline): Uncertain significance (1 of 4 stars; one submission).

Submission:

Labcorp Genetics (formerly Invitae), Labcorp
Classification: Uncertain significance. Last evaluated: 2022-08-09. Review status: criteria provided, single submitter. Criteria: Invitae Variant Classification Sherloc (09022015). Collection method: clinical testing. Allele origin: germline.
Comment: This sequence change replaces aspartic acid, which is acidic and polar, with tyrosine, which is neutral and polar, at codon 2529 of the ADGRV1 protein (p.Asp2529Tyr). This variant is not present in population databases (gnomAD no frequency). This variant has not been reported in the literature in individuals affected with ADGRV1-related conditions. Algorithms developed to predict the effect of missense changes on protein structure and function are either unavailable or do not agree on the potential impact of this missense change (SIFT: "Deleterious"; PolyPhen-2: "Probably Damaging"; Align-GVGD: "Class C0"). In summary, the available evidence is currently insufficient to determine the role of this variant in disease. Therefore, it has been classified as a Variant of Uncertain Significance.